The following is an entry in ClinVar:

NM_174936.4(PCSK9):c.1335C>G (p.Pro445=)

Gene: PCSK9 (proprotein convertase subtilisin/kexin type 9; plus strand). Cytogenetic location: 1p32.3.
Variant type: single nucleotide variant.
Coding change: c.1335C>G on transcript NM_174936.4 (MANE Select); coding-DNA position 1335, C replaced by G.
Protein change: p.Pro445=; no amino-acid change (proline 445 retained).
Molecular consequence: synonymous variant. On other transcripts: non-coding transcript variant (5), intron variant (2).
Genome position (GRCh38, 1-based): chr1:55,058,190, C>G. VCF-style: chr1-55058190-C-G. GRCh37 (hg19) VCF-style: chr1-55523863-C-G.
Other names: c.1458C>G, p.Pro486= (NM_001407240.1); c.1335C>G, p.Pro445= (NM_001407241.1); c.1338C>G, p.Pro446= (NM_001407242.1); c.1278C>G, p.Pro426= (NM_001407243.1); c.1143C>G, p.Pro381= (NM_001407245.1); c.960C>G, p.Pro320= (NM_001407246.1); c.1181-309C>G (NM_001407244.1); c.1180+676C>G (NM_001407247.1).
Identifiers: ClinVar variation 3387448 (VCV003387448.1).

ClinVar aggregate classification (germline): Likely benign (1 of 4 stars; one submission).

Conditions:
Hypercholesterolemia, autosomal dominant, 3 (FHCL3). Also called: Familial Hypercholesterolemia, Autosomal Dominant, 3; PCSK9-Related Familial Hypercholesterolemia, Autosomal Dominant; Familial hypercholesterolemia 3. Identifiers: MedGen C1863551, MONDO:0011369, OMIM 603776.

gnomAD v4.1: 12 of 1,613,094 alleles (0.00074%); highest among the groups gnomAD compares: Non-Finnish European, 0.001%; no homozygotes.

Submission:

All of Us Research Program, National Institutes of Health
Classification: Likely benign for Hypercholesterolemia, autosomal dominant, 3. Last evaluated: 2024-08-06. Review status: criteria provided, single submitter. Criteria: ACMG Guidelines, 2015. Collection method: clinical testing. Allele origin: germline. Inheritance: Autosomal dominant inheritance. Observed: 2 variant alleles, 2 heterozygotes.
Comment: This study involves interpretation of variants in research participants for the purpose of population health screening. Participant phenotype was not available at the time of variant classification. Additional details can be found in publication PMID: 35346344, PMCID: PMC8962531